The following is an entry in ClinVar:

ClinVar aggregate classification (germline): Likely benign. Review status: criteria provided, multiple submitters, no conflicts (2 of 4 stars). 5 submissions from 5 submitters: Likely benign (5). Last evaluated 2026-09-08.

Conditions:
SCN10A-related disorder. Also called: SCN10A-related condition.
Brugada syndrome. Also called: Sudden unexplained nocturnal death syndrome; Sudden unexpected nocturnal death syndrome; Sudden Unexplained Death Syndrome; Sudden Unexplained Nocturnal Death Syndrome (SUNDS). Identifiers: Orphanet 130, MedGen C1142166, MONDO:0015263.
Cardiovascular phenotype. Identifiers: MedGen CN230736.

Allele frequency attached by ClinVar (database versions not stated): gnomAD 0.00031 and 0.00027; TOPMed 0.00042; gnomAD exomes 0.00003 and 0.00009; ExAC 0.00012; 1000 Genomes Project 30x 0.00016; 1000 Genomes Project 0.00020; ESP Exome Variant Server 0.00031.
gnomAD v4.1: 87 of 1,614,228 alleles (0.0054%); highest among the groups gnomAD compares: African/African-American, 0.095%; no homozygotes.

Submissions (5):

PreventionGenetics, part of Exact Sciences
Classification: Likely benign for SCN10A-related condition. Last evaluated: 2026-09-08. Review status: criteria provided, single submitter. Criteria: ACMG Guidelines, 2015. Collection method: clinical testing. Allele origin: germline.
Comment: This variant is classified as likely benign based on ACMG/AMP sequence variant interpretation guidelines (Richards et al. 2015 PMID: 25741868, with internal and published modifications).

Labcorp Genetics (formerly Invitae), Labcorp
Classification: Likely benign for Brugada syndrome. Last evaluated: 2026-02-01. Review status: criteria provided, single submitter. Criteria: Invitae Variant Classification Sherloc (09022015). Collection method: clinical testing. Allele origin: germline.

Mayo Clinic Laboratories, Mayo Clinic
Classification: Likely benign. Last evaluated: 2025-03-17. Review status: criteria provided, single submitter. Criteria: ACMG Guidelines, 2015. Collection method: clinical testing. Allele origin: germline. Observed: 1 variant allele.
Comment: BS2, BP4, BP7

Blueprint Genetics
Classification: Likely benign. Last evaluated: 2023-08-14. Review status: criteria provided, single submitter. Criteria: ACMG Guidelines, 2015. Collection method: clinical testing. Allele origin: germline.

Ambry Genetics
Classification: Likely benign for Cardiovascular phenotype. Last evaluated: 2020-02-09. Review status: criteria provided, single submitter. Criteria: Ambry Variant Classification Scheme 2023. Collection method: clinical testing. Allele origin: germline.

NM_006514.4(SCN10A):c.4053T>C (p.Asp1351=)

Gene: SCN10A (sodium voltage-gated channel alpha subunit 10; minus strand). Cytogenetic location: 3p22.2.
Variant type: single nucleotide variant.
Coding change: c.4053T>C on transcript NM_006514.4 (MANE Select); coding-DNA position 4053, T replaced by C.
Protein change: p.Asp1351=; no amino-acid change (aspartic acid 1351 retained).
Molecular consequence: synonymous variant.
Genome position (GRCh38, 1-based): chr3:38,712,197, A>G on the plus strand (T>C on the coding strand, the complement: SCN10A is on the minus strand). VCF-style: chr3-38712197-A-G. GRCh37 (hg19) VCF-style: chr3-38753688-A-G.
Other names: p.Asp1351=; c.4050T>C, p.Asp1350= (NM_001293306.2); c.3759T>C, p.Asp1253= (NM_001293307.2); c.4053T>C (NM_006514.3).
Identifiers: ClinVar variation 1127812 (VCV001127812.12), dbSNP rs139073590, ClinGen allele CA2320048.
Genomic context (GRCh38, chr3:38,712,197, plus strand): 5'-TGGTTGATCTCATGGTTGACTCACCACCTGCAGAAGTGCAAGGTAACCCATTGCAACATT[A>G]TCAAAGTTGACTTTCACATTGACCCAGAAGAAGCTGCCAGTGGAGTTTTGAATCTTGCAG-3'
Protein context (NP_006505.4, residues 1341-1361): FFWVNVKVNF[Asp1351=]NVAMGYLALL